The following is an entry in ClinVar:

ClinVar aggregate classification (germline): Uncertain significance (1 of 4 stars; one submission).

Submission:

Dasa
Classification: Uncertain significance. Last evaluated: 2026-03-25. Review status: criteria provided, single submitter. Criteria: DASA Assertion Criteria. Collection method: clinical testing. Allele origin: germline.
Comment: NM_001457.4(FLNB):c.563C>A (p.Ser188Tyr) is a missense variant that results in the substitution of serine with tyrosine. The affected residue or protein region has prior evidence supporting clinical relevance. This variant is rare in population databases. Computational prediction algorithms are consistent with a deleterious effect. The currently available literature and clinical evidence are not sufficient to establish a definitive association between this variant and the reported condition. Therefore, this variant is classified as a variant of uncertain significance.

NM_001457.4(FLNB):c.563C>A (p.Ser188Tyr)

Gene: FLNB (filamin B; plus strand). Cytogenetic location: 3p14.3.
Variant type: single nucleotide variant.
Coding change: c.563C>A on transcript NM_001457.4 (MANE Select); coding-DNA position 563, C replaced by A.
Protein change: p.Ser188Tyr; replaces serine 188 with tyrosine.
Molecular consequence: missense variant.
Genome position (GRCh38, 1-based): chr3:58,078,738, C>A. VCF-style: chr3-58078738-C-A. GRCh37 (hg19) VCF-style: chr3-58064465-C-A.
Other names: c.563C>A, p.Ser188Tyr (NM_001164317.2, NM_001164318.2, NM_001164319.2); short protein forms S188Y.
Identifiers: ClinVar variation 4882089 (VCV004882089.2).